The following is an entry in ClinVar:

NM_001142966.3(GREB1L):c.553G>A (p.Gly185Ser)

Genes: GREB1L (GREB1 like retinoic acid receptor coactivator; plus strand), GREB1L-AS1 (GREB1L antisense RNA 1; minus strand). Cytogenetic location: 18q11.1.
Variant type: single nucleotide variant.
Coding change: c.553G>A on transcript NM_001142966.3 (MANE Select); coding-DNA position 553, G replaced by A.
Protein change: p.Gly185Ser; replaces glycine 185 with serine.
Molecular consequence: missense variant.
Genome position (GRCh38, 1-based): chr18:21,401,170, G>A. VCF-style: chr18-21401170-G-A. GRCh37 (hg19) VCF-style: chr18-18981131-G-A.
Other names: c.553G>A (NM_001142966.1); short protein forms G185S.
Identifiers: ClinVar variation 1328379 (VCV001328379.4), dbSNP rs2144520227, ClinGen allele CA401796565.

ClinVar aggregate classification (germline): Uncertain significance. Review status: criteria provided, multiple submitters, no conflicts (2 of 4 stars). 3 submissions from 3 submitters: Uncertain significance (2). 1 of the submissions does not count toward it. Last evaluated 2025-10-06.

Conditions:
Renal hypodysplasia/aplasia 3 (RHDA3). Identifiers: MedGen C4540497, MONDO:0024520, OMIM 617805.
Mayer-Rokitansky-Küster-Hauser syndrome type 2. Also called: MAYER-ROKITANSKY-KUSTER-HAUSER SYNDROME, TYPE II; MRKH, TYPE II; MULLERIAN DUCT APLASIA, UNILATERAL RENAL AGENESIS, AND CERVICOTHORACIC SOMITE ANOMALIES; KLIPPEL-FEIL DEFORMITY, CONDUCTIVE DEAFNESS, AND ABSENT VAGINA. Identifiers: Orphanet 2578, Orphanet 3109, MedGen C4305568, MONDO:0010989, OMIM 601076.

Submissions (3):

GeneDx
Classification: Uncertain significance. Last evaluated: 2025-10-06. Review status: criteria provided, single submitter. Criteria: GeneDx Variant Classification Process June 2021. Collection method: clinical testing. Allele origin: germline.
Comment: Reported in a patient with Mayer-Rokitansky-Kuster-Hauser syndrome in published literature (PMID: 37124138); Not observed at significant frequency in large population cohorts (gnomAD); In silico analysis supports that this missense variant has a deleterious effect on protein structure/function; This variant is associated with the following publications: (PMID: 37124138)

Lupski Lab, Baylor-Hopkins CMG, Baylor College of Medicine
Classification: Uncertain significance for Mayer-Rokitansky-Küster-Hauser syndrome type 2. Last evaluated: 2023-03-13. Review status: criteria provided, single submitter. Criteria: ACMG Guidelines, 2015. Collection method: research. Allele origin: maternal. Observed: 1 variant allele.

Institute of Human Genetics, Cologne University
Classification: Uncertain significance for Renal hypodysplasia/aplasia 3. Review status: no assertion criteria provided. Collection method: clinical testing. Allele origin: unknown. Inheritance: Autosomal dominant inheritance. Affected: yes. Not counted in ClinVar's aggregate classification.